The following is an entry in ClinVar:

ClinVar aggregate classification (germline): Uncertain significance (1 of 4 stars; one submission).

Conditions:
Developmental and epileptic encephalopathy, 12 (DEE12). Identifiers: MedGen C3150988, MONDO:0013389, OMIM 613722.

Allele frequency attached by ClinVar (database versions not stated): gnomAD exomes below 0.00001 and 0.00001; gnomAD 0.00001; TOPMed 0.00001.
gnomAD v4.1: 5 of 1,613,564 alleles (0.00031%); highest among the groups gnomAD compares: Non-Finnish European, 0.00042%; no homozygotes.

Submission:

Labcorp Genetics (formerly Invitae), Labcorp
Classification: Uncertain significance for Developmental and epileptic encephalopathy, 12. Last evaluated: 2021-06-23. Review status: criteria provided, single submitter. Criteria: Invitae Variant Classification Sherloc (09022015). Collection method: clinical testing. Allele origin: germline.
Comment: In summary, the available evidence is currently insufficient to determine the role of this variant in disease. Therefore, it has been classified as a Variant of Uncertain Significance. Algorithms developed to predict the effect of missense changes on protein structure and function (SIFT, PolyPhen-2, Align-GVGD) all suggest that this variant is likely to be tolerated, but these predictions have not been confirmed by published functional studies and their clinical significance is uncertain. This variant has not been reported in the literature in individuals with PLCB1-related conditions. This variant is not present in population databases (ExAC no frequency). This sequence change replaces aspartic acid with asparagine at codon 492 of the PLCB1 protein (p.Asp492Asn). The aspartic acid residue is moderately conserved and there is a small physicochemical difference between aspartic acid and asparagine.

NM_015192.4(PLCB1):c.1474G>A (p.Asp492Asn)

Gene: PLCB1 (phospholipase C beta 1; plus strand). Cytogenetic location: 20p12.3.
Variant type: single nucleotide variant.
Coding change: c.1474G>A on transcript NM_015192.4 (MANE Select); coding-DNA position 1474, G replaced by A.
Protein change: p.Asp492Asn; replaces aspartic acid 492 with asparagine.
Molecular consequence: missense variant.
Genome position (GRCh38, 1-based): chr20:8,717,809, G>A. VCF-style: chr20-8717809-G-A. GRCh37 (hg19) VCF-style: chr20-8698456-G-A.
Other names: c.1474G>A, p.Asp492Asn (NM_182734.3); short protein forms D492N.
Identifiers: ClinVar variation 1348400 (VCV001348400.8), dbSNP rs1319451536, ClinGen allele CA408201525.
Genomic context (GRCh38, chr20:8,717,809, plus strand): 5'-AAGTCATCAGAAGGAAGCGGCAAAAAGAAGCTCTCAGAACAAGCCTCCAACACCTACAGT[G>A]ACTCCTCCAGCATGTTCGAGCCCTCATCCCCAGGAGCCGGTGAGGGGCTGGTGGGCTCTC-3'
Protein context (NP_056007.1, residues 482-502): LSEQASNTYS[Asp492Asn]SSSMFEPSSP